The following is an entry in ClinVar:

ClinVar aggregate classification (germline): Uncertain significance (1 of 4 stars; one submission).

Conditions:
Progressive microcephaly-seizures-cortical blindness-developmental delay syndrome. Also called: Seizures, cortical blindness, and microcephaly syndrome. Identifiers: Orphanet 477814, MedGen C5567650, MONDO:0014714, OMIM 616632.
Autosomal dominant nonsyndromic hearing loss 1. Also called: KONIGSMARK SYNDROME; DEAFNESS, AUTOSOMAL DOMINANT 1, WITH OR WITHOUT THROMBOCYTOPENIA. Identifiers: Orphanet 90635, MedGen C1852282, MONDO:0007424, OMIM 124900.

Allele frequency attached by ClinVar (database versions not stated): gnomAD exomes 0.00001; TOPMed 0.00001; ExAC 0.00002.
gnomAD v4.1: 7 of 1,613,062 alleles (0.00043%); highest among the groups gnomAD compares: Non-Finnish European, 0.00051%; no homozygotes.

Submission:

Labcorp Genetics (formerly Invitae), Labcorp
Classification: Uncertain significance for Progressive microcephaly-seizures-cortical blindness-developmental delay syndrome; Autosomal dominant nonsyndromic hearing loss 1. Last evaluated: 2025-11-25. Review status: criteria provided, single submitter. Criteria: Invitae Variant Classification Sherloc (09022015). Collection method: clinical testing. Allele origin: germline.
Comment: This sequence change replaces leucine, which is neutral and non-polar, with isoleucine, which is neutral and non-polar, at codon 588 of the DIAPH1 protein (p.Leu588Ile). This variant is present in population databases (rs778001664, gnomAD 0.003%). This variant has not been reported in the literature in individuals affected with DIAPH1-related conditions. ClinVar contains an entry for this variant (Variation ID: 2156280). Experimental studies and prediction algorithms are not available or were not evaluated, and the functional significance of this variant is currently unknown. In summary, the available evidence is currently insufficient to determine the role of this variant in disease. Therefore, it has been classified as a Variant of Uncertain Significance.

NM_005219.5(DIAPH1):c.1762T>A (p.Leu588Ile)

Gene: DIAPH1 (diaphanous related formin 1; minus strand). Cytogenetic location: 5q31.3.
Variant type: single nucleotide variant.
Coding change: c.1762T>A on transcript NM_005219.5 (MANE Select); coding-DNA position 1762, T replaced by A.
Protein change: p.Leu588Ile; replaces leucine 588 with isoleucine.
Molecular consequence: missense variant.
Genome position (GRCh38, 1-based): chr5:141,574,088, A>T on the plus strand (T>A on the coding strand, the complement: DIAPH1 is on the minus strand). VCF-style: chr5-141574088-A-T. GRCh37 (hg19) VCF-style: chr5-140953655-A-T.
Other names: c.1735T>A, p.Leu579Ile (NM_001079812.3); c.1762T>A, p.Leu588Ile (NM_001314007.2); short protein forms L579I, L588I.
Identifiers: ClinVar variation 2156280 (VCV002156280.4), dbSNP rs778001664, ClinGen allele CA3479216.
Genomic context (GRCh38, chr5:141,574,088, plus strand): 5'-GAGTGGTACTATCCCCAGGAGCAGGTGGTGGTGGAATAATAGTGCCAGAGTCACCAGGTA[A>T]AGGAGGGGCAGGGGGAACAGGAGCACGACTAGGAACAGAAGGAGGTACAGTAATAGCTGC-3'
Protein context (NP_005210.3, residues 578-598): SRAPVPPAPP[Leu588Ile]PGDSGTIIPP